The following is an entry in ClinVar:

ClinVar aggregate classification (germline): Uncertain significance (1 of 4 stars; one submission).

Allele frequency attached by ClinVar (database versions not stated): gnomAD exomes below 0.00001; TOPMed 0.00001; gnomAD 0.00002.
gnomAD v4.1: 6 of 1,614,020 alleles (0.00037%); highest among the groups gnomAD compares: Non-Finnish European, 0.00051%; no homozygotes.

Submission:

Ambry Genetics
Classification: Uncertain significance. Last evaluated: 2024-11-23. Review status: criteria provided, single submitter. Criteria: Ambry Variant Classification Scheme 2023. Collection method: clinical testing. Allele origin: germline.
Comment: The p.H544Y variant (also known as c.1630C>T), located in coding exon 8 of the ATRIP gene, results from a C to T substitution at nucleotide position 1630. The histidine at codon 544 is replaced by tyrosine, an amino acid with similar properties. This amino acid position is conserved. In addition, this alteration is predicted to be tolerated by in silico analysis. Based on the available evidence, the clinical significance of this variant remains unclear.

NM_130384.3(ATRIP):c.1630C>T (p.His544Tyr)

Genes: ATRIP (ATR interacting protein; plus strand), ATRIP-TREX1 (ATRIP-TREX1 readthrough; plus strand). Cytogenetic location: 3p21.31.
Variant type: single nucleotide variant.
Coding change: c.1630C>T on transcript NM_130384.3 (MANE Select); coding-DNA position 1630, C replaced by T.
Protein change: p.His544Tyr; replaces histidine 544 with tyrosine.
Molecular consequence: missense variant. On other transcripts: non-coding transcript variant (1).
Genome position (GRCh38, 1-based): chr3:48,460,684, C>T. VCF-style: chr3-48460684-C-T. GRCh37 (hg19) VCF-style: chr3-48502083-C-T.
Other names: c.1249C>T, p.His417Tyr (NM_001271022.2); c.1351C>T, p.His451Tyr (NM_001271023.2); c.1630C>T, p.His544Tyr (NM_032166.4); short protein forms H417Y, H544Y, H451Y.
Identifiers: ClinVar variation 3132119 (VCV003132119.2), dbSNP rs1319650245, ClinGen allele CA352726530.
Genomic context (GRCh38, chr3:48,460,684, plus strand): 5'-TCAGCCCTAAGGGGGGTTGCTGATGACCAAGGACAGCACCCACTGTTGAAGATGCTTCTT[C>T]ACCTGTTGGCTTTCTCTTCTGCAGCAACAGGTCACCTTCAAGCCAGTGTCCTGACCCAGT-3'
Protein context (NP_569055.1, residues 534-554): GQHPLLKMLL[His544Tyr]LLAFSSAATG